The following is an entry in ClinVar:

ClinVar aggregate classification (germline): Uncertain significance. Review status: criteria provided, multiple submitters, no conflicts (2 of 4 stars). 5 submissions from 5 submitters: Uncertain significance (4). 1 of the submissions does not count toward it. Last evaluated 2025-01-13.

Conditions:
Schimke immuno-osseous dysplasia (SIOD). Also called: Schimke Immunoosseous Dysplasia. Identifiers: Orphanet 1830, MedGen C0877024, MONDO:0009458, OMIM 242900.
Inborn genetic diseases. Identifiers: MedGen C0950123, MeSH D030342.

Allele frequency attached by ClinVar (database versions not stated): gnomAD 0.00002; gnomAD exomes 0.00005 and 0.00017; TOPMed 0.00005; ExAC 0.00006.
gnomAD v4.1: 247 of 1,614,030 alleles (0.015%); highest among the groups gnomAD compares: Non-Finnish European, 0.02%; no homozygotes.

Submissions (5):

Labcorp Genetics (formerly Invitae), Labcorp
Classification: Uncertain significance for Schimke immuno-osseous dysplasia. Last evaluated: 2025-01-13. Review status: criteria provided, single submitter. Criteria: Invitae Variant Classification Sherloc (09022015). Collection method: clinical testing. Allele origin: germline.
Comment: This sequence change replaces serine, which is neutral and polar, with leucine, which is neutral and non-polar, at codon 912 of the SMARCAL1 protein (p.Ser912Leu). This variant is present in population databases (rs763670564, gnomAD 0.01%). This variant has not been reported in the literature in individuals affected with SMARCAL1-related conditions. ClinVar contains an entry for this variant (Variation ID: 532004). Invitae Evidence Modeling of protein sequence and biophysical properties (such as structural, functional, and spatial information, amino acid conservation, physicochemical variation, residue mobility, and thermodynamic stability) indicates that this missense variant is not expected to disrupt SMARCAL1 protein function with a negative predictive value of 80%. In summary, the available evidence is currently insufficient to determine the role of this variant in disease. Therefore, it has been classified as a Variant of Uncertain Significance.

Ambry Genetics
Classification: Uncertain significance for Inborn genetic diseases. Last evaluated: 2023-12-28. Review status: criteria provided, single submitter. Criteria: Ambry Variant Classification Scheme 2023. Collection method: clinical testing. Allele origin: germline.

Blueprint Genetics
Classification: Uncertain significance. Last evaluated: 2023-09-14. Review status: criteria provided, single submitter. Criteria: ACMG Guidelines, 2015. Collection method: clinical testing. Allele origin: germline.

Fulgent Genetics
Classification: Uncertain significance for Schimke immuno-osseous dysplasia. Last evaluated: 2021-12-16. Review status: criteria provided, single submitter. Criteria: ACMG Guidelines, 2015. Collection method: clinical testing. Allele origin: unknown.

Natera, Inc.
Classification: Uncertain significance for Schimke immuno-osseous dysplasia. Last evaluated: 2019-11-11. Review status: no assertion criteria provided. Collection method: clinical testing. Allele origin: germline. Not counted in ClinVar's aggregate classification.

NM_014140.4(SMARCAL1):c.2735C>T (p.Ser912Leu)

Gene: SMARCAL1 (SNF2 related chromatin remodeling annealing helicase 1; plus strand). Cytogenetic location: 2q35.
Variant type: single nucleotide variant.
Coding change: c.2735C>T on transcript NM_014140.4 (MANE Select); coding-DNA position 2735, C replaced by T.
Protein change: p.Ser912Leu; replaces serine 912 with leucine.
Molecular consequence: missense variant.
Genome position (GRCh38, 1-based): chr2:216,482,847, C>T. VCF-style: chr2-216482847-C-T. GRCh37 (hg19) VCF-style: chr2-217347570-C-T.
Other names: c.2735C>T, p.Ser912Leu (NM_001127207.2); short protein forms S912L.
Identifiers: ClinVar variation 532004 (VCV000532004.7), dbSNP rs763670564, ClinGen allele CA2098294.